The following is an entry in ClinVar:

NM_023036.6(DNAI2):c.973T>A (p.Phe325Ile)

Gene: DNAI2 (dynein axonemal intermediate chain 2; plus strand). Cytogenetic location: 17q25.1.
Variant type: single nucleotide variant.
Coding change: c.973T>A on transcript NM_023036.6 (MANE Select); coding-DNA position 973, T replaced by A.
Protein change: p.Phe325Ile; replaces phenylalanine 325 with isoleucine.
Molecular consequence: missense variant. On other transcripts: non-coding transcript variant (1).
Genome position (GRCh38, 1-based): chr17:74,301,154, T>A. VCF-style: chr17-74301154-T-A. GRCh37 (hg19) VCF-style: chr17-72297293-T-A.
Other names: c.973T>A, p.Phe325Ile (NM_001172810.3, NM_001353167.2); short protein forms F325I.
Identifiers: ClinVar variation 1768053 (VCV001768053.2), dbSNP rs2509738037, ClinGen allele CA400909441.

ClinVar aggregate classification (germline): Uncertain significance (1 of 4 stars; one submission).

Conditions:
Primary ciliary dyskinesia. Also called: Ciliary dyskinesia. Identifiers: Orphanet 244, MedGen C0008780, MONDO:0016575, HP:0012265.

Allele frequency attached by ClinVar (database versions not stated): gnomAD exomes below 0.00001.
gnomAD v4.1: 2 of 1,613,424 alleles (0.00012%); highest among the groups gnomAD compares: Non-Finnish European, 0.00017%; no homozygotes.

Submission:

Ambry Genetics
Classification: Uncertain significance for Primary ciliary dyskinesia. Last evaluated: 2021-06-14. Review status: criteria provided, single submitter. Criteria: Ambry Variant Classification Scheme 2023. Collection method: clinical testing. Allele origin: germline.
Comment: The p.F325I variant (also known as c.973T>A), located in coding exon 7 of the DNAI2 gene, results from a T to A substitution at nucleotide position 973. The phenylalanine at codon 325 is replaced by isoleucine, an amino acid with highly similar properties. This amino acid position is conserved. In addition, this alteration is predicted to be deleterious by in silico analysis. Since supporting evidence is limited at this time, the clinical significance of this alteration remains unclear.